The following is an entry in ClinVar:

NM_000760.4(CSF3R):c.1348G>A (p.Glu450Lys)

Gene: CSF3R (colony stimulating factor 3 receptor; minus strand). Cytogenetic location: 1p34.3.
Variant type: single nucleotide variant.
Coding change: c.1348G>A on transcript NM_000760.4 (MANE Select); coding-DNA position 1348, G replaced by A.
Protein change: p.Glu450Lys; replaces glutamic acid 450 with lysine.
Molecular consequence: missense variant.
Genome position (GRCh38, 1-based): chr1:36,469,778, C>T on the plus strand (G>A on the coding strand, the complement: CSF3R is on the minus strand). VCF-style: chr1-36469778-C-T. GRCh37 (hg19) VCF-style: chr1-36935379-C-T.
Other names: c.1348G>A, p.Glu450Lys (NM_156039.3, NM_172313.3); short protein forms E450K.
Identifiers: ClinVar variation 1059819 (VCV001059819.9), dbSNP rs766441662, ClinGen allele CA769215.
Genomic context (GRCh38, chr1:36,469,778, plus strand): 5'-CGCTGGGGGGGCCCAGGCCCCACTCAATCACATAGCCCTGAGGCCATGGATTGGGGGGCT[C>T]CCAGCCTACCCAGAGGCTGTGAGGGTCTCGGGCCATGGCATGGAGTCTGGTCAGAGCTGG-3'
Protein context (NP_000751.1, residues 440-460): RDPHSLWVGW[Glu450Lys]PPNPWPQGYV

ClinVar aggregate classification (germline): Uncertain significance (1 of 4 stars; one submission).

Conditions:
Autosomal recessive severe congenital neutropenia due to CSF3R deficiency. Also called: Neutropenia, severe congenital, 7, autosomal recessive. Identifiers: Orphanet 420702, MedGen C4310764, MONDO:0014865, OMIM 617014.

gnomAD v4.1: 11 of 1,614,134 alleles (0.00068%); highest among the groups gnomAD compares: East Asian, 0.0089%; no homozygotes.

Submission:

Labcorp Genetics (formerly Invitae), Labcorp
Classification: Uncertain significance for Autosomal recessive severe congenital neutropenia due to CSF3R deficiency. Last evaluated: 2023-11-27. Review status: criteria provided, single submitter. Criteria: Invitae Variant Classification Sherloc (09022015). Collection method: clinical testing. Allele origin: germline.
Comment: This sequence change replaces glutamic acid, which is acidic and polar, with lysine, which is basic and polar, at codon 450 of the CSF3R protein (p.Glu450Lys). This variant is present in population databases (rs766441662, gnomAD 0.002%). This variant has not been reported in the literature in individuals affected with CSF3R-related conditions. ClinVar contains an entry for this variant (Variation ID: 1059819). Advanced modeling of protein sequence and biophysical properties (such as structural, functional, and spatial information, amino acid conservation, physicochemical variation, residue mobility, and thermodynamic stability) performed at Invitae indicates that this missense variant is not expected to disrupt CSF3R protein function with a negative predictive value of 80%. In summary, the available evidence is currently insufficient to determine the role of this variant in disease. Therefore, it has been classified as a Variant of Uncertain Significance.